The following is an entry in ClinVar:

NM_020988.3(GNAO1):c.133G>C (p.Gly45Arg)

Gene: GNAO1 (G protein subunit alpha o1; plus strand). Cytogenetic location: 16q13.
Variant type: single nucleotide variant.
Coding change: c.133G>C on transcript NM_020988.3 (MANE Select); coding-DNA position 133, G replaced by C.
Protein change: p.Gly45Arg; replaces glycine 45 with arginine.
Molecular consequence: missense variant.
Genome position (GRCh38, 1-based): chr16:56,192,588, G>C. VCF-style: chr16-56192588-G-C. GRCh37 (hg19) VCF-style: chr16-56226500-G-C.
Other names: c.133G>C, p.Gly45Arg (NM_138736.3); short protein forms G45R.
Identifiers: ClinVar variation 225047 (VCV000225047.7), dbSNP rs869312939, ClinGen allele CA358207.

ClinVar aggregate classification (germline): Pathogenic/Likely pathogenic. Review status: criteria provided, multiple submitters, no conflicts (2 of 4 stars). 2 submissions from 2 submitters: Pathogenic (1); Likely pathogenic (1). Last evaluated 2024-11-04.

Conditions:
Inborn genetic diseases. Identifiers: MedGen C0950123, MeSH D030342.
Developmental and epileptic encephalopathy. Identifiers: MedGen C5779964, MONDO:0100620.

Submissions (2):

Ambry Genetics
Classification: Pathogenic for Inborn genetic diseases. Last evaluated: 2024-11-04. Review status: criteria provided, single submitter. Criteria: Ambry Variant Classification Scheme 2023. Collection method: clinical testing. Allele origin: germline.
Comment: The c.133G>C (p.G45R) alteration is located in exon 2 (coding exon 2) of the GNAO1 gene. This alteration results from a G to C substitution at nucleotide position 133, causing the glycine (G) at amino acid position 45 to be replaced by an arginine (R). This variant was not reported in population-based cohorts in the Genome Aggregation Database (gnomAD). This variant has been determined to be the result of a de novo mutation in one individual with features consistent with GNAO1 encephalopathy (Li, 2023). This amino acid position is highly conserved in available vertebrate species. This missense alteration is located in a region that has a low rate of benign missense variation (Lek, 2016; Firth, 2009). This alteration is predicted to be deleterious by in silico analysis. Based on the available evidence, this alteration is classified as pathogenic.

Labcorp Genetics (formerly Invitae), Labcorp
Classification: Likely pathogenic for Early-infantile DEE. Last evaluated: 2021-08-27. Review status: criteria provided, single submitter. Criteria: Invitae Variant Classification Sherloc (09022015). Collection method: clinical testing. Allele origin: germline.

Literature cited by the submitters: PubMed 37705601 (cited by Ambry Genetics).